The following is an entry in ClinVar:

ClinVar aggregate classification (germline): Uncertain significance (1 of 4 stars; one submission).

Allele frequency attached by ClinVar (database versions not stated): gnomAD exomes 0.00005; TOPMed 0.00006; gnomAD 0.00009; ExAC 0.00019; 1000 Genomes Project 30x 0.00109; 1000 Genomes Project 0.00140.
gnomAD v4.1: 97 of 1,614,214 alleles (0.006%); highest among the groups gnomAD compares: East Asian, 0.11%; no homozygotes.

Submission:

Ambry Genetics
Classification: Uncertain significance. Last evaluated: 2024-11-17. Review status: criteria provided, single submitter. Criteria: Ambry Variant Classification Scheme 2023. Collection method: clinical testing. Allele origin: germline.
Comment: The p.L1288S variant (also known as c.3863T>C), located in coding exon 4 of the ALPK2 gene, results from a T to C substitution at nucleotide position 3863. The leucine at codon 1288 is replaced by serine, an amino acid with dissimilar properties. This amino acid position is conserved. In addition, this alteration is predicted to be tolerated by in silico analysis. Since supporting evidence is limited at this time, the clinical significance of this alteration remains unclear.

NM_052947.4(ALPK2):c.3863T>C (p.Leu1288Ser)

Genes: ALPK2 (alpha kinase 2; minus strand), LOC126862764 (BRD4-independent group 4 enhancer GRCh37_chr18:56202574-56203773; plus strand). Cytogenetic location: 18q21.31.
Variant type: single nucleotide variant.
Coding change: c.3863T>C on transcript NM_052947.4 (MANE Select); coding-DNA position 3863, T replaced by C.
Protein change: p.Leu1288Ser; replaces leucine 1288 with serine.
Molecular consequence: missense variant.
Genome position (GRCh38, 1-based): chr18:58,536,324, A>G on the plus strand (T>C on the coding strand, the complement: ALPK2 is on the minus strand). VCF-style: chr18-58536324-A-G. GRCh37 (hg19) VCF-style: chr18-56203556-A-G.
Other names: short protein forms L1288S.
Identifiers: ClinVar variation 2450609 (VCV002450609.3), dbSNP rs35882005, ClinGen allele CA8976821.